The following is an entry in ClinVar:

ClinVar aggregate classification (germline): Uncertain significance (1 of 4 stars; one submission).

Submission:

Labcorp Genetics (formerly Invitae), Labcorp
Classification: Uncertain significance. Last evaluated: 2020-12-24. Review status: criteria provided, single submitter. Criteria: Invitae Variant Classification Sherloc (09022015). Collection method: clinical testing. Allele origin: germline.
Comment: This sequence change replaces serine with phenylalanine at codon 43 of the NEK2 protein (p.Ser43Phe). The serine residue is highly conserved and there is a large physicochemical difference between serine and phenylalanine. This variant is not present in population databases (ExAC no frequency). This variant has not been reported in the literature in individuals with NEK2-related conditions. Algorithms developed to predict the effect of missense changes on protein structure and function are either unavailable or do not agree on the potential impact of this missense change (SIFT: "Deleterious"; PolyPhen-2: "Possibly Damaging"; Align-GVGD: "Class C0"). In summary, the available evidence is currently insufficient to determine the role of this variant in disease. Therefore, it has been classified as a Variant of Uncertain Significance.

NM_002497.4(NEK2):c.128C>T (p.Ser43Phe)

Gene: NEK2 (NIMA related kinase 2; minus strand). Cytogenetic location: 1q32.3.
Variant type: single nucleotide variant.
Coding change: c.128C>T on transcript NM_002497.4 (MANE Select); coding-DNA position 128, C replaced by T.
Protein change: p.Ser43Phe; replaces serine 43 with phenylalanine.
Molecular consequence: missense variant.
Genome position (GRCh38, 1-based): chr1:211,674,482, G>A on the plus strand (C>T on the coding strand, the complement: NEK2 is on the minus strand). VCF-style: chr1-211674482-G-A. GRCh37 (hg19) VCF-style: chr1-211847824-G-A.
Other names: c.128C>T, p.Ser43Phe (NM_001204182.2, NM_001204183.2); short protein forms S43F.
Identifiers: ClinVar variation 1466485 (VCV001466485.8), dbSNP rs2102448245, ClinGen allele CA344785698.